The following is an entry in ClinVar:

NM_000059.4(BRCA2):c.7030del (p.Ile2344fs)

Gene: BRCA2 (BRCA2 DNA repair associated; plus strand). Cytogenetic location: 13q13.1.
Variant type: Deletion.
Coding change: c.7030del on transcript NM_000059.4 (MANE Select); coding-DNA position 7030, one base deleted (A; older notation c.7030delA).
Protein change: p.Ile2344fs; shifts the reading frame from isoleucine 2344.
Molecular consequence: frameshift variant.
Genome position (GRCh38, 1-based): chr13:32,354,883, A deleted. VCF-style (leftmost placement, unchanged base first): chr13-32354882-GA-G. GRCh37 (hg19) VCF-style: chr13-32929019-GA-G.
Other names: c.7030delA, p.Ile2344Tyrfs (NM_001406720.1); c.2098delA, p.Ile700Tyrfs (NM_001406721.1); c.613delA, p.Ile205Tyrfs (NM_001406722.1); c.6934delA, p.Ile2312Tyrfs (NM_001406719.1); short protein forms I2344fs.
Identifiers: ClinVar variation 1756796 (VCV001756796.4), dbSNP rs2548539983, ClinGen allele CA2580087373.

ClinVar aggregate classification (germline): Pathogenic. Review status: criteria provided, multiple submitters, no conflicts (2 of 4 stars). 2 submissions from 2 submitters: Pathogenic (2). Last evaluated 2022-12-05.

Conditions:
Hereditary cancer-predisposing syndrome. Also called: Neoplastic Syndromes, Hereditary; Tumor predisposition; Hereditary Cancer Syndrome; Hereditary neoplastic syndrome. Identifiers: Orphanet 140162, MedGen C0027672, MeSH D009386, MONDO:0015356.

Submissions (2):

Color Diagnostics, LLC DBA Color Health
Classification: Pathogenic for Hereditary cancer-predisposing syndrome. Last evaluated: 2022-12-05. Review status: criteria provided, single submitter. Criteria: ACMG Guidelines, 2015. Collection method: clinical testing. Allele origin: germline.
Comment: This variant deletes 1 nucleotide in exon 14 of the BRCA2 gene, creating a frameshift and premature translation stop signal. This variant is expected to result in an absent or non-functional protein product. To our knowledge, this variant has not been reported in individuals affected with BRCA2-related disorders in the literature. This variant has not been identified in the general population by the Genome Aggregation Database (gnomAD). Loss of BRCA2 function is a known mechanism of disease. Based on the available evidence, this variant is classified as Pathogenic.

Ambry Genetics
Classification: Pathogenic for Hereditary cancer-predisposing syndrome. Last evaluated: 2021-09-09. Review status: criteria provided, single submitter. Criteria: Ambry Variant Classification Scheme 2023. Collection method: clinical testing. Allele origin: germline.
Comment: The c.7030delA pathogenic mutation, located in coding exon 13 of the BRCA2 gene, results from a deletion of one nucleotide at nucleotide position 7030, causing a translational frameshift with a predicted alternate stop codon (p.I2344Yfs*23). This variant is considered to be rare based on population cohorts in the Genome Aggregation Database (gnomAD). This alteration is expected to result in loss of function by premature protein truncation or nonsense-mediated mRNA decay. As such, this alteration is interpreted as a disease-causing mutation.